The following is an entry in ClinVar:

NM_006593.4(TBR1):c.1873G>C (p.Asp625His)

Gene: TBR1 (T-box brain transcription factor 1; plus strand). Cytogenetic location: 2q24.2.
Variant type: single nucleotide variant.
Coding change: c.1873G>C on transcript NM_006593.4 (MANE Select); coding-DNA position 1873, G replaced by C.
Protein change: p.Asp625His; replaces aspartic acid 625 with histidine.
Molecular consequence: missense variant.
Genome position (GRCh38, 1-based): chr2:161,424,051, G>C. VCF-style: chr2-161424051-G-C. GRCh37 (hg19) VCF-style: chr2-162280562-G-C.
Other names: short protein forms D625H.
Identifiers: ClinVar variation 2575598 (VCV002575598.1), dbSNP rs2468100618, ClinGen allele CA349214651.

ClinVar aggregate classification (germline): Uncertain significance (1 of 4 stars; one submission).

Submission:

GeneDx
Classification: Uncertain significance. Last evaluated: 2023-02-09. Review status: criteria provided, single submitter. Criteria: GeneDx Variant Classification Process June 2021. Collection method: clinical testing. Allele origin: germline. Affected: yes.
Comment: Not observed at significant frequency in large population cohorts (gnomAD); In silico analysis supports that this missense variant has a deleterious effect on protein structure/function; Has not been previously published as pathogenic or benign to our knowledge